The following is an entry in ClinVar:

ClinVar aggregate classification (germline): Conflicting classifications of pathogenicity. Review status: criteria provided, conflicting classifications (1 of 4 stars). 7 submissions from 7 submitters: Uncertain significance (1); Benign (1); Likely benign (3). 2 of the submissions do not count toward it. Last evaluated 2025-11-03.

Conditions:
Retinitis pigmentosa (RP). Identifiers: Orphanet 791, MedGen C0035334, MeSH D012174, MONDO:0019200, OMIM 268000. Inheritance: Autosomal dominant, autosomal recessive and X linked inheritance.
Retinal dystrophy. Also called: Inherited retinal dystrophy. Identifiers: Orphanet 71862, MedGen C0854723, MeSH D058499, MONDO:0019118, HP:0000556.

Allele frequency attached by ClinVar (database versions not stated): ExAC 0.00024; gnomAD exomes 0.00024 and 0.00058; ESP Exome Variant Server 0.00031; TOPMed 0.00032; gnomAD 0.00035 and 0.00038; 1000 Genomes Project 0.00040; 1000 Genomes Project 30x 0.00047.
gnomAD v4.1: 903 of 1,613,996 alleles (0.056%); highest among the groups gnomAD compares: East Asian, 0.35%; 1 homozygote.

Submissions (7):

Labcorp Genetics (formerly Invitae), Labcorp
Classification: Likely benign. Last evaluated: 2025-11-03. Review status: criteria provided, single submitter. Criteria: Invitae Variant Classification Sherloc (09022015). Collection method: clinical testing. Allele origin: germline.

Blueprint Genetics
Classification: Likely benign. Last evaluated: 2024-10-08. Review status: criteria provided, single submitter. Criteria: ACMG Guidelines, 2015. Collection method: clinical testing. Allele origin: germline.

Dept Of Ophthalmology, Nagoya University
Classification: Benign for Retinal dystrophy. Last evaluated: 2023-10-01. Review status: criteria provided, single submitter. Criteria: Submitter's publication. Collection method: research. Allele origin: germline. Affected: yes.

CeGaT Center for Human Genetics Tuebingen
Classification: Likely benign. Last evaluated: 2023-01-01. Review status: criteria provided, single submitter. Criteria: CeGaT Center For Human Genetics Tuebingen Variant Classification Criteria Version 2. Collection method: clinical testing. Allele origin: germline. Affected: yes. Observed: 1 variant allele.
Comment: PRPF8: BP4, BP7

Illumina Laboratory Services, Illumina
Classification: Uncertain significance for Retinitis pigmentosa. Last evaluated: 2018-01-13. Review status: criteria provided, single submitter. Criteria: ICSL Variant Classification Criteria 13 December 2019. Collection method: clinical testing. Allele origin: germline.

Clinical Genetics DNA and cytogenetics Diagnostics Lab, Erasmus MC, Erasmus Medical Center
Classification: Likely benign. Review status: no assertion criteria provided. Collection method: clinical testing. Allele origin: germline. Affected: yes. Study: VKGL Data-share Consensus. Not counted in ClinVar's aggregate classification.

Clinical Genetics, Academic Medical Center
Classification: Benign. Review status: no assertion criteria provided. Collection method: clinical testing. Allele origin: germline. Affected: yes. Study: VKGL Data-share Consensus. Not counted in ClinVar's aggregate classification.

NM_006445.4(PRPF8):c.3084T>C (p.Tyr1028=)

Gene: PRPF8 (pre-mRNA processing factor 8; minus strand). Cytogenetic location: 17p13.3.
Variant type: single nucleotide variant.
Coding change: c.3084T>C on transcript NM_006445.4 (MANE Select); coding-DNA position 3084, T replaced by C.
Protein change: p.Tyr1028=; no amino-acid change (tyrosine 1028 retained).
Molecular consequence: synonymous variant.
Genome position (GRCh38, 1-based): chr17:1,674,657, A>G on the plus strand (T>C on the coding strand, the complement: PRPF8 is on the minus strand). VCF-style: chr17-1674657-A-G. GRCh37 (hg19) VCF-style: chr17-1577951-A-G.
Identifiers: ClinVar variation 891300 (VCV000891300.39), dbSNP rs75163090, ClinGen allele CA8271959.